The following is an entry in ClinVar:

NM_001034853.2(RPGR):c.3008_3010del (p.Gly1003del)

Gene: RPGR (retinitis pigmentosa GTPase regulator; minus strand). Cytogenetic location: Xp11.4.
Variant type: Deletion.
Coding change: c.3008_3010del on transcript NM_001034853.2 (MANE Select); coding-DNA positions 3008 to 3010, 3 bases deleted (GAG; older notation c.3008_3010delGAG).
Protein change: p.Gly1003del; deletes glycine 1003.
Molecular consequence: inframe deletion. On other transcripts: intron variant (8).
Genome position (GRCh38, 1-based): chrX:38,285,989-38,285,991, CTC deleted on the plus strand (GAG on the coding strand, the reverse complement: RPGR is on the minus strand); deleting any 3 consecutive bases within chrX:38,285,989-38,285,993 gives the same sequence; the c. name uses the placement nearest the transcript's 3' end. VCF-style (leftmost placement, unchanged base first): chrX-38285988-TCTC-T. GRCh37 (hg19) VCF-style: chrX-38145241-TCTC-T.
Other names: c.1569+4968_1569+4970del (NM_001367249.1, NM_001367250.1); c.1902+1103_1902+1105del (NM_001367245.1); c.1386+4968_1386+4970del (NM_001367251.1); c.1719+1103_1719+1105del (NM_001367246.1); c.1572+4968_1572+4970del (NM_001367247.1); c.1905+1103_1905+1105del (NM_000328.3); c.1602+4968_1602+4970del (NM_001367248.1); short protein forms G1003del.
Identifiers: ClinVar variation 2202758 (VCV002202758.4), dbSNP rs1465232215, ClinGen allele CA640955055.

ClinVar aggregate classification (germline): Uncertain significance. Review status: criteria provided, multiple submitters, no conflicts (2 of 4 stars). 2 submissions from 2 submitters: Uncertain significance (2). Last evaluated 2023-08-02.

Conditions:
Primary ciliary dyskinesia. Also called: Ciliary dyskinesia. Identifiers: Orphanet 244, MedGen C0008780, MONDO:0016575, HP:0012265.

Submissions (2):

Blueprint Genetics
Classification: Uncertain significance. Last evaluated: 2023-08-02. Review status: criteria provided, single submitter. Criteria: ACMG Guidelines, 2015. Collection method: clinical testing. Allele origin: germline.

Labcorp Genetics (formerly Invitae), Labcorp
Classification: Uncertain significance for Primary ciliary dyskinesia. Last evaluated: 2022-10-11. Review status: criteria provided, single submitter. Criteria: Invitae Variant Classification Sherloc (09022015). Collection method: clinical testing. Allele origin: germline.
Comment: Experimental studies and prediction algorithms are not available or were not evaluated, and the functional significance of this variant is currently unknown. This variant has not been reported in the literature in individuals affected with RPGR (ORF15)-related conditions. The frequency data for this variant in the population databases is considered unreliable, as metrics indicate poor data quality at this position in the gnomAD database. This variant, c.3008_3010del, results in the deletion of 1 amino acid(s) of the RPGR (ORF15) protein (p.Gly1003del), but otherwise preserves the integrity of the reading frame. In summary, the available evidence is currently insufficient to determine the role of this variant in disease. Therefore, it has been classified as a Variant of Uncertain Significance.